The following is an entry in ClinVar:

NM_152296.5(ATP1A3):c.2161G>C (p.Gly721Arg)

Gene: ATP1A3 (ATPase Na+/K+ transporting subunit alpha 3; minus strand). Cytogenetic location: 19q13.2.
Variant type: single nucleotide variant.
Coding change: c.2161G>C on transcript NM_152296.5 (MANE Select); coding-DNA position 2161, G replaced by C.
Protein change: p.Gly721Arg; replaces glycine 721 with arginine.
Molecular consequence: missense variant.
Genome position (GRCh38, 1-based): chr19:41,975,731, C>G on the plus strand (G>C on the coding strand, the complement: ATP1A3 is on the minus strand). VCF-style: chr19-41975731-C-G. GRCh37 (hg19) VCF-style: chr19-42479883-C-G.
Other names: c.2194G>C, p.Gly732Arg (NM_001256213.2); c.2200G>C, p.Gly734Arg (NM_001256214.2); short protein forms G721R, G732R, G734R.
Identifiers: ClinVar variation 4083473 (VCV004083473.1).

ClinVar aggregate classification (germline): Uncertain significance (1 of 4 stars; one submission).

Submission:

GeneDx
Classification: Uncertain significance. Last evaluated: 2025-03-13. Review status: criteria provided, single submitter. Criteria: GeneDx Variant Classification Process June 2021. Collection method: clinical testing. Allele origin: germline. Affected: yes.
Comment: Not observed at significant frequency in large population cohorts (gnomAD); In silico analysis supports that this missense variant has a deleterious effect on protein structure/function; Has not been previously published as pathogenic or benign to our knowledge